The following is an entry in ClinVar:

NM_004329.3(BMPR1A):c.822A>T (p.Glu274Asp)

Gene: BMPR1A (bone morphogenetic protein receptor type 1A; plus strand). Cytogenetic location: 10q23.2.
Variant type: single nucleotide variant.
Coding change: c.822A>T on transcript NM_004329.3 (MANE Select); coding-DNA position 822, A replaced by T.
Protein change: p.Glu274Asp; replaces glutamic acid 274 with aspartic acid.
Molecular consequence: missense variant. On other transcripts: non-coding transcript variant (3).
Genome position (GRCh38, 1-based): chr10:86,917,280, A>T. VCF-style: chr10-86917280-A-T. GRCh37 (hg19) VCF-style: chr10-88677037-A-T.
Other names: c.897A>T, p.Glu299Asp (NM_001406559.1); c.870A>T, p.Glu290Asp (NM_001406560.1); c.822A>T, p.Glu274Asp (NM_001406561.1, NM_001406562.1, NM_001406563.1 and 19 more transcripts); c.816A>T, p.Glu272Asp (NM_001406583.1); c.738A>T, p.Glu246Asp (NM_001406584.1, NM_001406585.1, NM_001406586.1 and 2 more transcripts); c.480A>T, p.Glu160Asp (NM_001406589.1); short protein forms E160D, E272D, E299D, E246D, E274D, E290D.
Identifiers: ClinVar variation 2565028 (VCV002565028.2), dbSNP rs2539604829, ClinGen allele CA377458467.

ClinVar aggregate classification (germline): Uncertain significance (1 of 4 stars; one submission).

Conditions:
Hereditary cancer-predisposing syndrome. Also called: Neoplastic Syndromes, Hereditary; Hereditary Cancer Syndrome; Hereditary neoplastic syndrome; Tumor predisposition. Identifiers: Orphanet 140162, MedGen C0027672, MeSH D009386, MONDO:0015356.

Submission:

Ambry Genetics
Classification: Uncertain significance for Hereditary cancer-predisposing syndrome. Last evaluated: 2023-06-03. Review status: criteria provided, single submitter. Criteria: Ambry Variant Classification Scheme 2023. Collection method: clinical testing. Allele origin: germline.
Comment: The p.E274D variant (also known as c.822A>T), located in coding exon 7 of the BMPR1A gene, results from an A to T substitution at nucleotide position 822. The glutamic acid at codon 274 is replaced by aspartic acid, an amino acid with highly similar properties. This amino acid position is conserved. In addition, this alteration is predicted to be deleterious by in silico analysis. Since supporting evidence is limited at this time, the clinical significance of this alteration remains unclear.